The following is an entry in ClinVar:

NM_002470.4(MYH3):c.5716G>A (p.Glu1906Lys)

Gene: MYH3 (myosin heavy chain 3; minus strand). Cytogenetic location: 17p13.1.
Variant type: single nucleotide variant.
Coding change: c.5716G>A on transcript NM_002470.4 (MANE Select); coding-DNA position 5716, G replaced by A.
Protein change: p.Glu1906Lys; replaces glutamic acid 1906 with lysine.
Molecular consequence: missense variant.
Genome position (GRCh38, 1-based): chr17:10,629,677, C>T on the plus strand (G>A on the coding strand, the complement: MYH3 is on the minus strand). VCF-style: chr17-10629677-C-T. GRCh37 (hg19) VCF-style: chr17-10532994-C-T.
Other names: c.5716G>A (NM_002470.3); short protein forms E1906K.
Identifiers: ClinVar variation 2059425 (VCV002059425.5), dbSNP rs1300427720, ClinGen allele CA398129712.

ClinVar aggregate classification (germline): Uncertain significance. Review status: criteria provided, multiple submitters, no conflicts (2 of 4 stars). 2 submissions from 2 submitters: Uncertain significance (2). Last evaluated 2025-12-10.

Conditions:
MYH3-related disorder. Also called: MYH3-Related Disorders; MYH3-related condition. Identifiers: MedGen CN239329.

Allele frequency attached by ClinVar (database versions not stated): gnomAD 0.00001; TOPMed 0.00001; gnomAD exomes 0.00003.
gnomAD v4.1: 47 of 1,614,136 alleles (0.0029%); highest among the groups gnomAD compares: Non-Finnish European, 0.0037%; no homozygotes.

Submissions (2):

PreventionGenetics, part of Exact Sciences
Classification: Uncertain significance for MYH3-related condition. Last evaluated: 2025-12-10. Review status: criteria provided, single submitter. Criteria: ACMG Guidelines, 2015. Collection method: clinical testing. Allele origin: germline.
Comment: The MYH3 c.5716G>A variant is predicted to result in the amino acid substitution p.Glu1906Lys. To our knowledge, this variant has not been reported in the literature. This variant is reported in 0.00088% of alleles in individuals of European (Non-Finnish) descent in gnomAD. At this time, the clinical significance of this variant is uncertain due to the absence of conclusive functional and genetic evidence.

Labcorp Genetics (formerly Invitae), Labcorp
Classification: Uncertain significance. Last evaluated: 2025-10-31. Review status: criteria provided, single submitter. Criteria: Invitae Variant Classification Sherloc (09022015). Collection method: clinical testing. Allele origin: germline.
Comment: This sequence change replaces glutamic acid, which is acidic and polar, with lysine, which is basic and polar, at codon 1906 of the MYH3 protein (p.Glu1906Lys). This variant is present in population databases (no rsID available, gnomAD 0.0009%). This variant has not been reported in the literature in individuals affected with MYH3-related conditions. ClinVar contains an entry for this variant (Variation ID: 2059425). Invitae Evidence Modeling of protein sequence and biophysical properties (such as structural, functional, and spatial information, amino acid conservation, physicochemical variation, residue mobility, and thermodynamic stability) indicates that this missense variant is not expected to disrupt MYH3 protein function with a negative predictive value of 95%. In summary, the available evidence is currently insufficient to determine the role of this variant in disease. Therefore, it has been classified as a Variant of Uncertain Significance.